The following is an entry in ClinVar:

NM_031448.6(C19orf12):c.170T>C (p.Val57Ala)

Gene: C19orf12 (chromosome 19 open reading frame 12; minus strand). Cytogenetic location: 19q12.
Variant type: single nucleotide variant.
Coding change: c.170T>C on transcript NM_031448.6 (MANE Select); coding-DNA position 170, T replaced by C.
Protein change: p.Val57Ala; replaces valine 57 with alanine.
Molecular consequence: missense variant. On other transcripts: 5 prime UTR variant (3).
Genome position (GRCh38, 1-based): chr19:29,702,968, A>G on the plus strand (T>C on the coding strand, the complement: C19orf12 is on the minus strand). VCF-style: chr19-29702968-A-G. GRCh37 (hg19) VCF-style: chr19-30193875-A-G.
Other names: c.170T>C, p.Val57Ala (NM_001031726.4, NM_001256046.3, NM_001256047.2); c.-23T>C (NM_001282929.1, NM_001282930.3, NM_001282931.3); short protein forms V57A, V68A.
Identifiers: ClinVar variation 579842 (VCV000579842.8), dbSNP rs766939148, ClinGen allele CA9351924.
Genomic context (GRCh38, chr19:29,702,968, plus strand): 5'-AGGATCTGAGGAACCGGCTTAAACTGTCCACTTGTCATCCAGGCACCTAACAGCCCCCCG[A>G]CAGCCCCCCCTAGAAAACATGGAATCGTTCAATTAGTGGGTCTTATTCATAAGCGATGGC-3'
Protein context (NP_113636.2, residues 47-67): GPPGLAVGGA[Val57Ala]GGLLGAWMTS

ClinVar aggregate classification (germline): Uncertain significance (1 of 4 stars; one submission).

Conditions:
Hereditary spastic paraplegia 43. Also called: Spastic paraplegia 43, autosomal recessive. Identifiers: Orphanet 320370, MedGen C2680446, MONDO:0014024, OMIM 615043.

Allele frequency attached by ClinVar (database versions not stated): ExAC 0.00001; gnomAD 0.00001; gnomAD exomes 0.00001; TOPMed 0.00002.
gnomAD v4.1: 14 of 1,604,314 alleles (0.00087%); highest among the groups gnomAD compares: Non-Finnish European, 0.0012%; no homozygotes.

Submission:

Labcorp Genetics (formerly Invitae), Labcorp
Classification: Uncertain significance for Hereditary spastic paraplegia 43. Last evaluated: 2018-04-03. Review status: criteria provided, single submitter. Criteria: Invitae Variant Classification Sherloc (09022015). Collection method: clinical testing. Allele origin: germline.
Comment: This sequence change replaces valine with alanine at codon 68 of the C19orf12 protein (p.Val68Ala). The valine residue is highly conserved and there is a small physicochemical difference between valine and alanine. This variant is present in population databases (rs766939148, ExAC 0.002%). This variant has not been reported in the literature in individuals with C19orf12-related disease. Algorithms developed to predict the effect of missense changes on protein structure and function do not agree on the potential impact of this missense change (SIFT: "Deleterious"; PolyPhen-2: "Possibly Damaging"; Align-GVGD: "Class C0"). In summary, the available evidence is currently insufficient to determine the role of this variant in disease. Therefore, it has been classified as a Variant of Uncertain Significance.